The following is an entry in ClinVar:

ClinVar aggregate classification (germline): Uncertain significance (1 of 4 stars; one submission).

Submission:

Labcorp Genetics (formerly Invitae), Labcorp
Classification: Uncertain significance. Last evaluated: 2025-02-13. Review status: criteria provided, single submitter. Criteria: Invitae Variant Classification Sherloc (09022015). Collection method: clinical testing. Allele origin: germline.
Comment: This sequence change replaces valine, which is neutral and non-polar, with leucine, which is neutral and non-polar, at codon 586 of the PLG protein (p.Val586Leu). This variant is not present in population databases (gnomAD no frequency). This variant has not been reported in the literature in individuals affected with PLG-related conditions. Invitae Evidence Modeling of protein sequence and biophysical properties (such as structural, functional, and spatial information, amino acid conservation, physicochemical variation, residue mobility, and thermodynamic stability) indicates that this missense variant is not expected to disrupt PLG protein function with a negative predictive value of 80%. In summary, the available evidence is currently insufficient to determine the role of this variant in disease. Therefore, it has been classified as a Variant of Uncertain Significance.

NM_000301.5(PLG):c.1756G>C (p.Val586Leu)

Gene: PLG (plasminogen; plus strand). Cytogenetic location: 6q26.
Variant type: single nucleotide variant.
Coding change: c.1756G>C on transcript NM_000301.5 (MANE Select); coding-DNA position 1756, G replaced by C.
Protein change: p.Val586Leu; replaces valine 586 with leucine.
Molecular consequence: missense variant.
Genome position (GRCh38, 1-based): chr6:160,736,961, G>C. VCF-style: chr6-160736961-G-C. GRCh37 (hg19) VCF-style: chr6-161157993-G-C.
Other names: short protein forms V586L.
Identifiers: ClinVar variation 4737347 (VCV004737347.1).